The following is an entry in ClinVar:

NM_144573.4(NEXN):c.1852G>T (p.Glu618Ter)

Gene: NEXN (nexilin F-actin binding protein; plus strand). Cytogenetic location: 1p31.1.
Variant type: single nucleotide variant.
Coding change: c.1852G>T on transcript NM_144573.4 (MANE Select); coding-DNA position 1852, G replaced by T.
Protein change: p.Glu618Ter; replaces glutamic acid 618 with a stop codon.
Molecular consequence: nonsense.
Genome position (GRCh38, 1-based): chr1:77,942,653, G>T. VCF-style: chr1-77942653-G-T. GRCh37 (hg19) VCF-style: chr1-78408338-G-T.
Other names: c.1660G>T, p.Glu554Ter (NM_001172309.2); short protein forms E554*, E618*.
Identifiers: ClinVar variation 4119036 (VCV004119036.1).

ClinVar aggregate classification (germline): Uncertain significance (1 of 4 stars; one submission).

Conditions:
Cardiovascular phenotype. Identifiers: MedGen CN230736.

Submission:

Ambry Genetics
Classification: Uncertain significance for Cardiovascular phenotype. Last evaluated: 2025-09-03. Review status: criteria provided, single submitter. Criteria: Ambry Variant Classification Scheme 2023. Collection method: clinical testing. Allele origin: germline.
Comment: The p.E618* variant (also known as c.1852G>T), located in coding exon 12 of the NEXN gene, results from a G to T substitution at nucleotide position 1852. This changes the amino acid from a glutamic acid to a stop codon within coding exon 12. This alteration occurs at the 3' terminus of theNEXN gene, is not expected to trigger nonsense-mediated mRNA decay, and impacts the last 9% of the protein. However, premature stop codons are typically deleterious in nature and a significant portion of the protein is affected (Ambry internal data). Although biallelic loss of function of NEXN has been associated with autosomal recessive cardiomyopathy, haploinsufficiency of NEXN has not been established as a mechanism of disease for autosomal dominant cardiomyopathy. Based on the available evidence, the clinical significance of this variant remains unclear.